The following is an entry in ClinVar:

ClinVar aggregate classification (germline): Uncertain significance (1 of 4 stars; one submission).

Conditions:
Brain small vessel disease 2A, autosomal dominant. Also called: Porencephaly 2. Identifiers: Orphanet 2940, Orphanet 99810, MedGen C3280970, MONDO:0013773, OMIM 614483.
Hemorrhage, intracerebral, susceptibility to (ICH). Also called: Stroke, hemorrhagic, susceptibility to. Identifiers: MedGen C3281105, MONDO:0100533, OMIM 614519.

Submission:

Juno Genomics, Hangzhou Juno Genomics, Inc
Classification: Uncertain significance for Hemorrhage, intracerebral, susceptibility to; Brain small vessel disease 2A, autosomal dominant. Review status: criteria provided, single submitter. Criteria: ACMG Guidelines, 2015. Collection method: clinical testing. Allele origin: germline.
Comment: Absent from controls (or at extremely low frequency if recessive) in Genome Aggregation Database.;Multiple lines of computational evidence support a deleterious effect on the gene or gene product.

NM_001846.4(COL4A2):c.685G>C (p.Gly229Arg)

Gene: COL4A2 (collagen type IV alpha 2 chain; plus strand). Cytogenetic location: 13q34.
Variant type: single nucleotide variant.
Coding change: c.685G>C on transcript NM_001846.4 (MANE Select); coding-DNA position 685, G replaced by C.
Protein change: p.Gly229Arg; replaces glycine 229 with arginine.
Molecular consequence: missense variant.
Genome position (GRCh38, 1-based): chr13:110,434,401, G>C. VCF-style: chr13-110434401-G-C. GRCh37 (hg19) VCF-style: chr13-111086748-G-C.
Other names: short protein forms G229R.
Identifiers: ClinVar variation 5005226 (VCV005005226.2).